The following is an entry in ClinVar:

NM_000441.2(SLC26A4):c.596T>C (p.Ile199Thr)

Gene: SLC26A4 (solute carrier family 26 member 4; plus strand). Cytogenetic location: 7q22.3.
Variant type: single nucleotide variant.
Coding change: c.596T>C on transcript NM_000441.2 (MANE Select); coding-DNA position 596, T replaced by C.
Protein change: p.Ile199Thr; replaces isoleucine 199 with threonine.
Molecular consequence: missense variant.
Genome position (GRCh38, 1-based): chr7:107,674,344, T>C. VCF-style: chr7-107674344-T-C. GRCh37 (hg19) VCF-style: chr7-107314789-T-C.
Other names: short protein forms I199T.
Identifiers: ClinVar variation 2627317 (VCV002627317.2), dbSNP rs768369470, ClinGen allele CA4432513.

ClinVar aggregate classification (germline): Uncertain significance. Review status: criteria provided, multiple submitters, no conflicts (2 of 4 stars). 2 submissions from 2 submitters: Uncertain significance (2). Last evaluated 2023-09-26.

Allele frequency attached by ClinVar (database versions not stated): ExAC 0.00001; gnomAD exomes 0.00001.
gnomAD v4.1: 10 of 1,609,218 alleles (0.00062%); highest among the groups gnomAD compares: Admixed American, 0.0017%; no homozygotes.

Submissions (2):

Women's Health and Genetics/Laboratory Corporation of America, LabCorp
Classification: Uncertain significance. Last evaluated: 2023-09-26. Review status: criteria provided, single submitter. Criteria: LabCorp Variant Classification Summary - May 2015. Collection method: clinical testing. Allele origin: germline.
Comment: Variant summary: SLC26A4 c.596T>C (p.Ile199Thr) results in a non-conservative amino acid change located in the SLC26A/SulP transporter domain (IPR011547) of the encoded protein sequence. Four of four in-silico tools predict a damaging effect of the variant on protein function. The variant allele was found at a frequency of 4e-06 in 251396 control chromosomes (gnomAD). The available data on variant occurrences in the general population are insufficient to allow any conclusion about variant significance. c.596T>C has been reported in the literature in at least one individual affected with hearing loss with enlarged vestibular aqueduct (Albert_2006). The report does not provide unequivocal conclusions about association of the variant with Pendred Syndrome. To our knowledge, no experimental evidence demonstrating an impact on protein function has been reported. The following publications have been ascertained in the context of this evaluation (PMID: 16570074, 27771369, 28941661). No submitters have cited clinical-significance assessments for this variant to ClinVar after 2014. Based on the evidence outlined above, the variant was classified as uncertain significance.

GeneDx
Classification: Uncertain significance. Last evaluated: 2023-07-14. Review status: criteria provided, single submitter. Criteria: GeneDx Variant Classification Process June 2021. Collection method: clinical testing. Allele origin: germline. Affected: yes.
Comment: Not observed at significant frequency in large population cohorts (gnomAD); In silico analysis supports that this missense variant has a deleterious effect on protein structure/function; Reported in the heterozygous state in a patient with hearing loss and enlarged vestibular aqueduct in published literature (Albert et al., 2006); This variant is associated with the following publications: (PMID: 16570074, 27771369)

Literature cited by the submitters: PubMed 28941661 (cited by Women's Health and Genetics/Laboratory Corporation of America, LabCorp); PubMed 27771369 (cited by Women's Health and Genetics/Laboratory Corporation of America, LabCorp); PubMed 16570074 (cited by Women's Health and Genetics/Laboratory Corporation of America, LabCorp).